The following is an entry in ClinVar:

ClinVar aggregate classification (germline): Uncertain significance (1 of 4 stars; one submission).

Conditions:
Severe combined immunodeficiency due to DNA-PKcs deficiency. Also called: IMMUNODEFICIENCY 26 WITH NEUROLOGIC ABNORMALITIES; Immunodeficiency 26 with or without neurologic abnormalities. Identifiers: Orphanet 317425, MedGen C4014833, MONDO:0014423, OMIM 615966.

Submission:

Labcorp Genetics (formerly Invitae), Labcorp
Classification: Uncertain significance for Severe combined immunodeficiency due to DNA-PKcs deficiency. Last evaluated: 2021-05-19. Review status: criteria provided, single submitter. Criteria: Invitae Variant Classification Sherloc (09022015). Collection method: clinical testing. Allele origin: germline.
Comment: Experimental studies and prediction algorithms are not available or were not evaluated, and the functional significance of this variant is currently unknown. In summary, the available evidence is currently insufficient to determine the role of this variant in disease. Therefore, it has been classified as a Variant of Uncertain Significance. This variant has not been reported in the literature in individuals with PRKDC-related conditions. This variant is not present in population databases (ExAC no frequency). This sequence change replaces asparagine with lysine at codon 593 of the PRKDC protein (p.Asn593Lys). The asparagine residue is weakly conserved and there is a moderate physicochemical difference between asparagine and lysine.

NM_006904.7(PRKDC):c.1779T>A (p.Asn593Lys)

Gene: PRKDC (protein kinase, DNA-activated, catalytic subunit; minus strand). Cytogenetic location: 8q11.21.
Variant type: single nucleotide variant.
Coding change: c.1779T>A on transcript NM_006904.7 (MANE Select); coding-DNA position 1779, T replaced by A.
Protein change: p.Asn593Lys; replaces asparagine 593 with lysine.
Molecular consequence: missense variant.
Genome position (GRCh38, 1-based): chr8:47,930,785, A>T on the plus strand (T>A on the coding strand, the complement: PRKDC is on the minus strand). VCF-style: chr8-47930785-A-T. GRCh37 (hg19) VCF-style: chr8-48843345-A-T.
Other names: c.1779T>A, p.Asn593Lys (NM_001081640.2); short protein forms N593K.
Identifiers: ClinVar variation 1443327 (VCV001443327.5), dbSNP rs2154503560, ClinGen allele CA371164865.